The following is an entry in ClinVar:

ClinVar aggregate classification (germline): Pathogenic (1 of 4 stars; one submission).

Allele frequency attached by ClinVar (database versions not stated): gnomAD exomes 0.00001.
gnomAD v4.1: 8 of 1,614,046 alleles (0.0005%); highest among the groups gnomAD compares: South Asian, 0.0077%; no homozygotes.

Submission:

Labcorp Genetics (formerly Invitae), Labcorp
Classification: Pathogenic. Last evaluated: 2024-08-05. Review status: criteria provided, single submitter. Criteria: Invitae Variant Classification Sherloc (09022015). Collection method: clinical testing. Allele origin: germline.
Comment: This sequence change creates a premature translational stop signal (p.Gln357*) in the CEP55 gene. It is expected to result in an absent or disrupted protein product. Loss-of-function variants in CEP55 are known to be pathogenic (PMID: 28264986, 28295209, 30622327). This variant is not present in population databases (gnomAD no frequency). This variant has not been reported in the literature in individuals affected with CEP55-related conditions. Algorithms developed to predict the effect of sequence changes on RNA splicing suggest that this variant may disrupt the consensus splice site. For these reasons, this variant has been classified as Pathogenic.

Literature cited by the submitters: PubMed 28264986; PubMed 28295209; PubMed 30622327.

NM_018131.5(CEP55):c.1069C>T (p.Gln357Ter)

Gene: CEP55 (centrosomal protein 55; plus strand). Cytogenetic location: 10q23.33.
Variant type: single nucleotide variant.
Coding change: c.1069C>T on transcript NM_018131.5 (MANE Select); coding-DNA position 1069, C replaced by T.
Protein change: p.Gln357Ter; replaces glutamine 357 with a stop codon.
Molecular consequence: nonsense.
Genome position (GRCh38, 1-based): chr10:93,519,685, C>T. VCF-style: chr10-93519685-C-T. GRCh37 (hg19) VCF-style: chr10-95279442-C-T.
Other names: c.1069C>T, p.Gln357Ter (NM_001127182.2); short protein forms Q357*.
Identifiers: ClinVar variation 2989041 (VCV002989041.3), dbSNP rs2134489809, ClinGen allele CA377610352.